The following is an entry in ClinVar:

NM_006766.5(KAT6A):c.3285G>A (p.Arg1095=)

Gene: KAT6A (lysine acetyltransferase 6A; minus strand). Cytogenetic location: 8p11.21.
Variant type: single nucleotide variant.
Coding change: c.3285G>A on transcript NM_006766.5 (MANE Select); coding-DNA position 3285, G replaced by A.
Protein change: p.Arg1095=; no amino-acid change (arginine 1095 retained).
Molecular consequence: synonymous variant.
Genome position (GRCh38, 1-based): chr8:41,937,323, C>T on the plus strand (G>A on the coding strand, the complement: KAT6A is on the minus strand). VCF-style: chr8-41937323-C-T. GRCh37 (hg19) VCF-style: chr8-41794841-C-T.
Other names: c.3285G>A (NM_006766.4).
Identifiers: ClinVar variation 1941897 (VCV001941897.6), dbSNP rs746684762, ClinGen allele CA4729724.

ClinVar aggregate classification (germline): Benign. Review status: criteria provided, single submitter (1 of 4 stars). 2 submissions from 2 submitters: Benign (1). 1 of the submissions does not count toward it. Last evaluated 2024-03-23.

Conditions:
KAT6A-related disorder. Also called: KAT6A-related condition.

Allele frequency attached by ClinVar (database versions not stated): TOPMed below 0.00001; ExAC 0.00001; gnomAD 0.00001.
gnomAD v4.1: 3 of 1,614,002 alleles (0.00019%); highest among the groups gnomAD compares: South Asian, 0.0022%; no homozygotes.

Submissions (2):

Labcorp Genetics (formerly Invitae), Labcorp
Classification: Benign. Last evaluated: 2024-03-23. Review status: criteria provided, single submitter. Criteria: Invitae Variant Classification Sherloc (09022015). Collection method: clinical testing. Allele origin: germline.

PreventionGenetics, part of Exact Sciences
Classification: Likely benign for KAT6A-related condition. Last evaluated: 2024-07-09. Review status: no assertion criteria provided. Collection method: clinical testing. Allele origin: germline. Not counted in ClinVar's aggregate classification.
Comment: This variant is classified as likely benign based on ACMG/AMP sequence variant interpretation guidelines (Richards et al. 2015 PMID: 25741868, with internal and published modifications).